The following is an entry in ClinVar:

NM_000090.4(COL3A1):c.1023C>T (p.Ala341=)

Gene: COL3A1 (collagen type III alpha 1 chain; plus strand). Cytogenetic location: 2q32.2.
Variant type: single nucleotide variant.
Coding change: c.1023C>T on transcript NM_000090.4 (MANE Select); coding-DNA position 1023, C replaced by T.
Protein change: p.Ala341=; no amino-acid change (alanine 341 retained).
Molecular consequence: synonymous variant.
Genome position (GRCh38, 1-based): chr2:188,992,913, C>T. VCF-style: chr2-188992913-C-T. GRCh37 (hg19) VCF-style: chr2-189857639-C-T.
Identifiers: ClinVar variation 1171774 (VCV001171774.11), dbSNP rs373392096, ClinGen allele CA073718.
Genomic context (GRCh38, chr2:188,992,913, plus strand): 5'-AAAGAGCTCTTGAAATTGTATTTAATTTTTTCAGGGCCCTCCTGGTCCTCCTGGAACTGC[C>T]GGATTCCCTGGATCCCCTGGTGCTAAGGTAAACATGTGTTTCTATAGAAGGGTATAAAAA-3'
Protein context (NP_000081.2, residues 331-351): QPGPPGPPGT[Ala341=]GFPGSPGAKG

ClinVar aggregate classification (germline): Likely benign. Review status: criteria provided, multiple submitters, no conflicts (2 of 4 stars). 3 submissions from 3 submitters: Likely benign (3). Last evaluated 2024-11-09.

Conditions:
Familial thoracic aortic aneurysm and aortic dissection (TAAD). Also called: Thoracic aortic aneurysms and dissections. Identifiers: Orphanet 91387, MedGen C4707243, MONDO:0019625.
Ehlers-Danlos syndrome, type 4 (EDSVASC). Also called: Ehlers-Danlos syndrome vascular type; Ehlers Danlos syndrome, ecchymotic type; Ehlers Danlos syndrome, arterial type; Ehlers Danlos syndrome, Sack-Barabas type; Ehlers-Danlos Syndrome Type IV. Identifiers: Orphanet 286, MedGen C0268338, MONDO:0017314, OMIM 130050.

Allele frequency attached by ClinVar (database versions not stated): gnomAD exomes 0.00001; TOPMed 0.00001; ExAC 0.00002; gnomAD 0.00002; ESP Exome Variant Server 0.00008.
gnomAD v4.1: 20 of 1,613,768 alleles (0.0012%); highest among the groups gnomAD compares: African/African-American, 0.004%; no homozygotes.

Submissions (3):

Labcorp Genetics (formerly Invitae), Labcorp
Classification: Likely benign for Ehlers-Danlos syndrome, type 4. Last evaluated: 2024-11-09. Review status: criteria provided, single submitter. Criteria: Invitae Variant Classification Sherloc (09022015). Collection method: clinical testing. Allele origin: germline.

All of Us Research Program, National Institutes of Health
Classification: Likely benign for Ehlers-Danlos syndrome, type 4. Last evaluated: 2023-05-08. Review status: criteria provided, single submitter. Criteria: ACMG Guidelines, 2015. Collection method: clinical testing. Allele origin: germline. Inheritance: Autosomal dominant inheritance. Observed: 1 variant allele, 1 heterozygote.
Comment: This study involves interpretation of variants in research participants for the purpose of population health screening. Participant phenotype was not available at the time of variant classification. Additional details can be found in publication PMID: 35346344, PMCID: PMC8962531

Color Diagnostics, LLC DBA Color Health
Classification: Likely benign for Familial thoracic aortic aneurysm and aortic dissection. Last evaluated: 2020-11-24. Review status: criteria provided, single submitter. Criteria: ACMG Guidelines, 2015. Collection method: clinical testing. Allele origin: germline.